The following is an entry in ClinVar:

ClinVar aggregate classification (germline): Likely benign. Review status: criteria provided, single submitter (1 of 4 stars). 2 submissions from 2 submitters: Likely benign (1). 1 of the submissions does not count toward it. Last evaluated 2025-04-01.

Conditions:
NFAT5-related disorder. Also called: NFAT5-related condition.
Immunodeficiency. Identifiers: MedGen C0021051, MONDO:0021094, HP:0002721.

Allele frequency attached by ClinVar (database versions not stated): gnomAD 0.00001; gnomAD exomes 0.00001; TOPMed 0.00003.
gnomAD v4.1: 20 of 1,605,426 alleles (0.0012%); highest among the groups gnomAD compares: Non-Finnish European, 0.0016%; no homozygotes.

Submissions (2):

Labcorp Genetics (formerly Invitae), Labcorp
Classification: Likely benign for Immunodeficiency. Last evaluated: 2025-04-01. Review status: criteria provided, single submitter. Criteria: Invitae Variant Classification Sherloc (09022015). Collection method: clinical testing. Allele origin: germline.

PreventionGenetics, part of Exact Sciences
Classification: Likely benign for NFAT5-related condition. Last evaluated: 2022-02-23. Review status: no assertion criteria provided. Collection method: clinical testing. Allele origin: germline. Not counted in ClinVar's aggregate classification.
Comment: This variant is classified as likely benign based on ACMG/AMP sequence variant interpretation guidelines (Richards et al. 2015 PMID: 25741868, with internal and published modifications).

NM_138713.4(NFAT5):c.1356T>C (p.Ser452=)

Gene: NFAT5 (nuclear factor of activated T cells 5; plus strand). Cytogenetic location: 16q22.1.
Variant type: single nucleotide variant.
Coding change: c.1356T>C on transcript NM_138713.4 (MANE Select); coding-DNA position 1356, T replaced by C.
Protein change: p.Ser452=; no amino-acid change (serine 452 retained).
Molecular consequence: synonymous variant.
Genome position (GRCh38, 1-based): chr16:69,659,886, T>C. VCF-style: chr16-69659886-T-C. GRCh37 (hg19) VCF-style: chr16-69693789-T-C.
Other names: c.1356T>C, p.Ser452= (NM_001113178.3); c.684T>C, p.Ser228= (NM_001367709.1); c.1302T>C, p.Ser434= (NM_006599.4); c.1074T>C, p.Ser358= (NM_138714.4, NM_173214.3, NM_173215.3).
Identifiers: ClinVar variation 3031335 (VCV003031335.3), dbSNP rs1016710420, ClinGen allele CA283351109.